The following is an entry in ClinVar:

ClinVar aggregate classification (germline): Uncertain significance (1 of 4 stars; one submission).

gnomAD v4.1: 23 of 1,608,794 alleles (0.0014%); highest among the groups gnomAD compares: Non-Finnish European, 0.0018%; no homozygotes.

Submission:

Labcorp Genetics (formerly Invitae), Labcorp
Classification: Uncertain significance. Last evaluated: 2025-02-25. Review status: criteria provided, single submitter. Criteria: Invitae Variant Classification Sherloc (09022015). Collection method: clinical testing. Allele origin: germline.
Comment: This sequence change replaces valine, which is neutral and non-polar, with methionine, which is neutral and non-polar, at codon 553 of the PACS2 protein (p.Val553Met). The frequency data for this variant in the population databases is considered unreliable, as metrics indicate poor data quality at this position in the gnomAD database. This variant has not been reported in the literature in individuals affected with PACS2-related conditions. Invitae Evidence Modeling of protein sequence and biophysical properties (such as structural, functional, and spatial information, amino acid conservation, physicochemical variation, residue mobility, and thermodynamic stability) indicates that this missense variant is not expected to disrupt PACS2 protein function with a negative predictive value of 80%. In summary, the available evidence is currently insufficient to determine the role of this variant in disease. Therefore, it has been classified as a Variant of Uncertain Significance.

NM_001100913.3(PACS2):c.1657G>A (p.Val553Met)

Gene: PACS2 (phosphofurin acidic cluster sorting protein 2; plus strand). Cytogenetic location: 14q32.33.
Variant type: single nucleotide variant.
Coding change: c.1657G>A on transcript NM_001100913.3 (MANE Select); coding-DNA position 1657, G replaced by A.
Protein change: p.Val553Met; replaces valine 553 with methionine.
Molecular consequence: missense variant.
Genome position (GRCh38, 1-based): chr14:105,383,390, G>A. VCF-style: chr14-105383390-G-A. GRCh37 (hg19) VCF-style: chr14-105849727-G-A.
Other names: c.1420G>A, p.Val474Met (NM_001243127.3); c.1645G>A, p.Val549Met (NM_015197.4); short protein forms V474M, V549M, V553M.
Identifiers: ClinVar variation 4700295 (VCV004700295.1).
Genomic context (GRCh38, chr14:105,383,390, plus strand): 5'-TCTCCGTCCCACCTGCCTCTGGATTGCAGCTGCAACTGCAATTCCCAGCCCCCGACCCCC[G>A]TGAAGATCGCCGTGGCGGGAGCGCAGCATTACCTCAGTGCCATCCTGCGGCTCTTTGTGG-3'
Protein context (NP_001094383.2, residues 543-563): CNCNSQPPTP[Val553Met]KIAVAGAQHY